The following is an entry in ClinVar:

NM_001365276.2(TNXB):c.8500G>A (p.Val2834Met)

Gene: TNXB (tenascin XB; minus strand). Cytogenetic location: 6p21.33.
Variant type: single nucleotide variant.
Coding change: c.8500G>A on transcript NM_001365276.2 (MANE Select); coding-DNA position 8500, G replaced by A.
Protein change: p.Val2834Met; replaces valine 2834 with methionine.
Molecular consequence: missense variant.
Genome position (GRCh38, 1-based): chr6:32,053,679, C>T on the plus strand (G>A on the coding strand, the complement: TNXB is on the minus strand). VCF-style: chr6-32053679-C-T. GRCh37 (hg19) VCF-style: chr6-32021456-C-T.
Other names: c.9241G>A, p.Val3081Met (NM_001428335.1); c.8494G>A, p.Val2832Met (NM_019105.8); short protein forms V2834M, V3081M, V2832M.
Identifiers: ClinVar variation 5031008 (VCV005031008.1).

ClinVar aggregate classification (germline): Uncertain significance (1 of 4 stars; one submission).

Conditions:
Cardiovascular phenotype. Identifiers: MedGen CN230736.

Submission:

Ambry Genetics
Classification: Uncertain significance for Cardiovascular phenotype. Last evaluated: 2026-06-25. Review status: criteria provided, single submitter. Criteria: Ambry Variant Classification Scheme 2023. Collection method: clinical testing. Allele origin: germline.
Comment: The p.V2832M variant (also known as c.8494G>A), located in coding exon 24 of the TNXB gene, results from a G to A substitution at nucleotide position 8494. The valine at codon 2832 is replaced by methionine, an amino acid with highly similar properties. This amino acid position is conserved. In addition, this alteration is predicted to be tolerated by in silico analysis. Based on the available evidence, the clinical significance of this variant remains unclear.